The following is an entry in ClinVar:

NM_006648.4(WNK2):c.5689C>G (p.Leu1897Val)

Gene: WNK2 (WNK lysine deficient protein kinase 2; plus strand). Cytogenetic location: 9q22.31.
Variant type: single nucleotide variant.
Coding change: c.5689C>G on transcript NM_006648.4 (MANE Select); coding-DNA position 5689, C replaced by G.
Protein change: p.Leu1897Val; replaces leucine 1897 with valine.
Molecular consequence: missense variant.
Genome position (GRCh38, 1-based): chr9:93,293,154, C>G. VCF-style: chr9-93293154-C-G. GRCh37 (hg19) VCF-style: chr9-96055436-C-G.
Other names: c.5800C>G, p.Leu1934Val (NM_001282394.3); short protein forms L1897V, L1934V.
Identifiers: ClinVar variation 3470585 (VCV003470585.1).
Genomic context (GRCh38, chr9:93,293,154, plus strand): 5'-TCGTCCTACATCAGCAGCGACAATGATTCGGAGCTCGAGGATGCTGACATAAAGAAGGAG[C>G]TGCAGAGTCTGCGGGAGAAGTAGGTCCTGCGGGCAGGAAGTGTTGCCCCCGCCCCTGGGC-3'
Protein context (NP_006639.3, residues 1887-1907): ELEDADIKKE[Leu1897Val]QSLREKHLKE

ClinVar aggregate classification (germline): Uncertain significance (1 of 4 stars; one submission).

Submission:

Ambry Genetics
Classification: Uncertain significance. Last evaluated: 2024-12-04. Review status: criteria provided, single submitter. Criteria: Ambry Variant Classification Scheme 2023. Collection method: clinical testing. Allele origin: germline.
Comment: The p.L1897V variant (also known as c.5689C>G), located in coding exon 22 of the WNK2 gene, results from a C to G substitution at nucleotide position 5689. The leucine at codon 1897 is replaced by valine, an amino acid with highly similar properties. This amino acid position is conserved. In addition, the in silico prediction for this alteration is inconclusive. Based on the available evidence, the clinical significance of this variant remains unclear.